The following is an entry in ClinVar:

NM_006907.4(PYCR1):c.820C>T (p.Gln274Ter)

Gene: PYCR1 (pyrroline-5-carboxylate reductase 1; minus strand). Cytogenetic location: 17q25.3.
Variant type: single nucleotide variant.
Coding change: c.820C>T on transcript NM_006907.4 (MANE Select); coding-DNA position 820, C replaced by T.
Protein change: p.Gln274Ter; replaces glutamine 274 with a stop codon.
Molecular consequence: nonsense. On other transcripts: 3 prime UTR variant (1).
Genome position (GRCh38, 1-based): chr17:81,933,354, G>A on the plus strand (C>T on the coding strand, the complement: PYCR1 is on the minus strand). VCF-style: chr17-81933354-G-A. GRCh37 (hg19) VCF-style: chr17-79891230-G-A.
Other names: c.727C>T, p.Gln243Ter (NM_001282279.2); c.820C>T, p.Gln274Ter (NM_001282280.2, NM_153824.3); c.901C>T, p.Gln301Ter (NM_001282281.2); c.*2C>T (NM_001330523.2); short protein forms Q243*, Q301*, Q274*.
Identifiers: ClinVar variation 1498944 (VCV001498944.7), dbSNP rs767043460, ClinGen allele CA8845259.

ClinVar aggregate classification (germline): Uncertain significance. Review status: criteria provided, multiple submitters, no conflicts (2 of 4 stars). 2 submissions from 2 submitters: Uncertain significance (2). Last evaluated 2022-07-14.

gnomAD v4.1: 3 of 1,613,826 alleles (0.00019%); highest among the groups gnomAD compares: Admixed American, 0.005%; no homozygotes.

Submissions (2):

Women's Health and Genetics/Laboratory Corporation of America, LabCorp
Classification: Uncertain significance. Last evaluated: 2022-07-14. Review status: criteria provided, single submitter. Criteria: LabCorp Variant Classification Summary - May 2015. Collection method: clinical testing. Allele origin: germline.
Comment: Variant summary: PYCR1 c.820C>T (p.Gln274X) results in a premature termination codon. While this variant is not expected to result in nonsense mediated decay, it is expected to disrupt the last 46 amino acids of the protein. To our knowledge, downstream pathogenic variants have not been reported. The variant allele was found at a frequency of 1.2e-05 in 250036 control chromosomes. To our knowledge, no occurrence of c.820C>T in individuals affected with Cutis Laxa - PYCR1 Related and no experimental evidence demonstrating its impact on protein function have been reported. One clinical diagnostic laboratory has submitted clinical-significance assessments for this variant to ClinVar after 2014 without evidence for independent evaluation. One laboratory classified the variant as uncertain significance. Based on the evidence outlined above, the variant was classified as VUS.

Labcorp Genetics (formerly Invitae), Labcorp
Classification: Uncertain significance. Last evaluated: 2021-04-14. Review status: criteria provided, single submitter. Criteria: Invitae Variant Classification Sherloc (09022015). Collection method: clinical testing. Allele origin: germline.
Comment: In summary, the available evidence is currently insufficient to determine the role of this variant in disease. Therefore, it has been classified as a Variant of Uncertain Significance. Experimental studies and prediction algorithms are not available or were not evaluated, and the functional significance of this variant is currently unknown. This variant has not been reported in the literature in individuals with PYCR1-related conditions. This variant is present in population databases (rs767043460, ExAC 0.009%). This sequence change creates a premature translational stop signal (p.Gln274*) in the PYCR1 gene. While this is not anticipated to result in nonsense mediated decay, it is expected to disrupt the last 46 amino acid(s) of the PYCR1 protein.